The following is an entry in ClinVar:

NM_000260.4(MYO7A):c.4340G>A (p.Arg1447Lys)

Gene: MYO7A (myosin VIIA; plus strand). Cytogenetic location: 11q13.5.
Variant type: single nucleotide variant.
Coding change: c.4340G>A on transcript NM_000260.4 (MANE Select); coding-DNA position 4340, G replaced by A.
Protein change: p.Arg1447Lys; replaces arginine 1447 with lysine.
Molecular consequence: missense variant.
Genome position (GRCh38, 1-based): chr11:77,197,497, G>A. VCF-style: chr11-77197497-G-A. GRCh37 (hg19) VCF-style: chr11-76908542-G-A.
Other names: c.4340G>A, p.Arg1447Lys (NM_001127180.2); c.4307G>A, p.Arg1436Lys (NM_001369365.1); c.4340G>A (NM_000260.3); short protein forms R1436K, R1447K.
Identifiers: ClinVar variation 1474148 (VCV001474148.7), dbSNP rs1203837704, ClinGen allele CA381949930.
Genomic context (GRCh38, chr11:77,197,497, plus strand): 5'-ACTCGTATGTTGTCTTCTGTCCCTCTGTCCCTCTCTCCTTCCAGGGGATTTATGCCCAGA[G>A]GAGAACTGATGCCCAGAAGGTCAAAGAGGATGTGGTCAGTTATGCCCGCTTCAAGTGGCC-3'
Protein context (NP_000251.3, residues 1437-1457): AAHKKGIYAQ[Arg1447Lys]RTDAQKVKED

ClinVar aggregate classification (germline): Uncertain significance. Review status: criteria provided, multiple submitters, no conflicts (2 of 4 stars). 2 submissions from 2 submitters: Uncertain significance (2). Last evaluated 2025-10-01.

Conditions:
MYO7A-related disorder. Also called: MYO7A-related disorders.

Allele frequency attached by ClinVar (database versions not stated): gnomAD exomes below 0.00001; TOPMed below 0.00001; gnomAD 0.00001.
gnomAD v4.1: 3 of 1,602,186 alleles (0.00019%); highest among the groups gnomAD compares: Middle Eastern, 0.016%; no homozygotes.

Submissions (2):

PreventionGenetics, part of Exact Sciences
Classification: Uncertain significance for MYO7A-related condition. Last evaluated: 2025-10-01. Review status: criteria provided, single submitter. Criteria: ACMG Guidelines, 2015. Collection method: clinical testing. Allele origin: germline.
Comment: The MYO7A c.4340G>A variant is predicted to result in the amino acid substitution p.Arg1447Lys. To our knowledge, this variant has not been reported in the literature. This variant is reported in 0.00096% of alleles in individuals of European (Non-Finnish) descent in gnomAD. At this time, the clinical significance of this variant is uncertain due to the absence of conclusive functional and genetic evidence.

Labcorp Genetics (formerly Invitae), Labcorp
Classification: Uncertain significance. Last evaluated: 2024-12-16. Review status: criteria provided, single submitter. Criteria: Invitae Variant Classification Sherloc (09022015). Collection method: clinical testing. Allele origin: germline.
Comment: This sequence change replaces arginine, which is basic and polar, with lysine, which is basic and polar, at codon 1447 of the MYO7A protein (p.Arg1447Lys). The frequency data for this variant in the population databases is considered unreliable, as metrics indicate poor data quality at this position in the gnomAD database. This variant has not been reported in the literature in individuals affected with MYO7A-related conditions. ClinVar contains an entry for this variant (Variation ID: 1474148). Invitae Evidence Modeling of protein sequence and biophysical properties (such as structural, functional, and spatial information, amino acid conservation, physicochemical variation, residue mobility, and thermodynamic stability) indicates that this missense variant is not expected to disrupt MYO7A protein function with a negative predictive value of 95%. In summary, the available evidence is currently insufficient to determine the role of this variant in disease. Therefore, it has been classified as a Variant of Uncertain Significance.